The following is an entry in ClinVar:

NM_000368.5(TSC1):c.363G>C (p.Lys121Asn)

Gene: TSC1 (TSC complex subunit 1; minus strand). Cytogenetic location: 9q34.13.
Variant type: single nucleotide variant.
Coding change: c.363G>C on transcript NM_000368.5 (MANE Select); coding-DNA position 363, G replaced by C.
Protein change: p.Lys121Asn; replaces lysine 121 with asparagine.
Molecular consequence: missense variant. On other transcripts: 5 prime UTR variant (18), non-coding transcript variant (5), intron variant (5).
Genome position (GRCh38, 1-based): chr9:132,925,587, C>G on the plus strand (G>C on the coding strand, the complement: TSC1 is on the minus strand). VCF-style: chr9-132925587-C-G. GRCh37 (hg19) VCF-style: chr9-135800974-C-G.
Other names: c.363G>C, p.Lys121Asn (NM_001406608.1, NM_001406609.1, NM_001406605.1 and 16 more transcripts); c.-93G>C (NM_001406614.1, NM_001406616.1, NM_001406624.1); c.-126G>C (NM_001406615.1, NM_001406623.1); c.-1G>C (NM_001406617.1, NM_001406618.1, NM_001406619.1 and 5 more transcripts); c.-515G>C (NM_001406626.1, NM_001406627.1, NM_001406628.1); c.-657G>C (NM_001406629.1); c.-731G>C (NM_001406630.1); c.210+1614G>C (NM_001406613.1, NM_001406612.1, NM_001406610.1 and 2 more transcripts); short protein forms K121N.
Identifiers: ClinVar variation 958476 (VCV000958476.12), dbSNP rs118203370, ClinGen allele CA375374287.

ClinVar aggregate classification (germline): Pathogenic/Likely pathogenic. Review status: criteria provided, multiple submitters, no conflicts (2 of 4 stars). 3 submissions from 3 submitters: Pathogenic (2); Likely pathogenic (1). Last evaluated 2024-11-12.

Conditions:
Tuberous sclerosis 1 (TSC1). Identifiers: Orphanet 805, MedGen C1854465, MONDO:0008612, OMIM 191100.
Hereditary cancer-predisposing syndrome. Also called: Hereditary neoplastic syndrome; Tumor predisposition; Neoplastic Syndromes, Hereditary; Hereditary Cancer Syndrome. Identifiers: Orphanet 140162, MedGen C0027672, MeSH D009386, MONDO:0015356.

Submissions (3):

GeneDx
Classification: Likely pathogenic. Last evaluated: 2024-11-12. Review status: criteria provided, single submitter. Criteria: GeneDx Variant Classification Process June 2021. Collection method: clinical testing. Allele origin: germline. Affected: yes.
Comment: Reported previously in an individual with cortical dysplasia, epilepsy, intellectual disability, TSC-associated neuropsychiatric disorder, and angiofibroma (PMID: 32917966); Not observed at significant frequency in large population cohorts (gnomAD); Alters the last nucleotide of the exon and is predicted to destroy the splice donor site but the effect on protein function is unclear; This variant is associated with the following publications: (PMID: 32917966)

Ambry Genetics
Classification: Pathogenic for Hereditary cancer-predisposing syndrome. Last evaluated: 2024-04-03. Review status: criteria provided, single submitter. Criteria: Ambry Variant Classification Scheme 2023. Collection method: clinical testing. Allele origin: germline.
Comment: The c.363G>C pathogenic mutation (also known as p.K121N), located in coding exon 3 of the TSC1 gene, results from a G to C substitution at nucleotide position 363. The amino acid change results in lysine to asparagine at codon 121, an amino acid with similar properties. However, this change occurs in the last base pair of coding exon 3, which makes it likely to have some effect on normal mRNA splicing. This variant has been identified in multiple patients with clinically suspected TSC, and was confirmed de novo in at least one proband (Meng Y et al. J Hum Genet, 2021 Mar;66:227-236; Ambry internal data). This variant is considered to be rare based on population cohorts in the Genome Aggregation Database (gnomAD). This nucleotide position and amino acid position are highly conserved in available vertebrate species. In silico splice site analysis predicts that this alteration will weaken the native splice donor site. In addition, as a missense substitution, the in silico prediction for this alteration is inconclusive. Based on the supporting evidence, this variant is interpreted as a disease-causing mutation.

Labcorp Genetics (formerly Invitae), Labcorp
Classification: Pathogenic for Tuberous sclerosis 1. Last evaluated: 2024-02-16. Review status: criteria provided, single submitter. Criteria: Invitae Variant Classification Sherloc (09022015). Collection method: clinical testing. Allele origin: germline.
Comment: This sequence change replaces lysine, which is basic and polar, with asparagine, which is neutral and polar, at codon 121 of the TSC1 protein (p.Lys121Asn). This variant also falls at the last nucleotide of exon 5, which is part of the consensus splice site for this exon. This variant is not present in population databases (gnomAD no frequency). This missense change has been observed in individual(s) with clinical features of tuberous sclerosis (Invitae). In at least one individual the variant was observed to be de novo. ClinVar contains an entry for this variant (Variation ID: 958476). An algorithm developed to predict the effect of missense changes on protein structure and function (PolyPhen-2) suggests that this variant is likely to be disruptive. Variants that disrupt the consensus splice site are a relatively common cause of aberrant splicing (PMID: 17576681, 9536098). Algorithms developed to predict the effect of sequence changes on RNA splicing suggest that this variant may disrupt the consensus splice site. For these reasons, this variant has been classified as Pathogenic.

Literature cited by the submitters: PubMed 32917966 (cited by Ambry Genetics); PubMed 17576681 (cited by Labcorp Genetics (formerly Invitae), Labcorp); PubMed 9536098 (cited by Labcorp Genetics (formerly Invitae), Labcorp).